The following is an entry in ClinVar:

NM_006431.3(CCT2):c.157C>G (p.Leu53Val)

Gene: CCT2 (chaperonin containing TCP1 subunit 2; plus strand). Cytogenetic location: 12q15.
Variant type: single nucleotide variant.
Coding change: c.157C>G on transcript NM_006431.3 (MANE Select); coding-DNA position 157, C replaced by G.
Protein change: p.Leu53Val; replaces leucine 53 with valine.
Molecular consequence: missense variant.
Genome position (GRCh38, 1-based): chr12:69,587,517, C>G. VCF-style: chr12-69587517-C-G. GRCh37 (hg19) VCF-style: chr12-69981297-C-G.
Other names: c.16C>G, p.Leu6Val (NM_001198842.2); short protein forms L53V, L6V.
Identifiers: ClinVar variation 1716508 (VCV001716508.5), dbSNP rs777399903, ClinGen allele CA385723808.

ClinVar aggregate classification (germline): Uncertain significance (1 of 4 stars; one submission).

Submission:

Labcorp Genetics (formerly Invitae), Labcorp
Classification: Uncertain significance. Last evaluated: 2022-08-19. Review status: criteria provided, single submitter. Criteria: Invitae Variant Classification Sherloc (09022015). Collection method: clinical testing. Allele origin: germline.
Comment: This sequence change replaces leucine, which is neutral and non-polar, with valine, which is neutral and non-polar, at codon 53 of the CCT2 protein (p.Leu53Val). This variant is not present in population databases (gnomAD no frequency). This variant has not been reported in the literature in individuals affected with CCT2-related conditions. Algorithms developed to predict the effect of missense changes on protein structure and function (SIFT, PolyPhen-2, Align-GVGD) all suggest that this variant is likely to be tolerated. In summary, the available evidence is currently insufficient to determine the role of this variant in disease. Therefore, it has been classified as a Variant of Uncertain Significance.